The following is an entry in ClinVar:

ClinVar aggregate classification (germline): Uncertain significance. Review status: criteria provided, multiple submitters, no conflicts (2 of 4 stars). 2 submissions from 2 submitters: Uncertain significance (2). Last evaluated 2025-09-14.

Conditions:
Inborn genetic diseases. Identifiers: MedGen C0950123, MeSH D030342.
Brachyolmia-amelogenesis imperfecta syndrome. Also called: PLATYSPONDYLY WITH AMELOGENESIS IMPERFECTA; Tooth agenesis, selective, 6; Dental anomalies and short stature. Identifiers: Orphanet 2899, MedGen C1832594, MONDO:0011018, OMIM 601216. Disease mechanism: loss of function.

gnomAD v4.1: 10 of 1,614,074 alleles (0.00062%); highest among the groups gnomAD compares: South Asian, 0.0033%; 1 homozygote.

Submissions (2):

Labcorp Genetics (formerly Invitae), Labcorp
Classification: Uncertain significance for Brachyolmia-amelogenesis imperfecta syndrome. Last evaluated: 2025-09-14. Review status: criteria provided, single submitter. Criteria: Invitae Variant Classification Sherloc (09022015). Collection method: clinical testing. Allele origin: germline.
Comment: This sequence change replaces arginine, which is basic and polar, with histidine, which is basic and polar, at codon 391 of the LTBP3 protein (p.Arg391His). This variant is present in population databases (rs752122083, gnomAD 0.006%), including at least one homozygous and/or hemizygous individual. This variant has not been reported in the literature in individuals affected with LTBP3-related conditions. ClinVar contains an entry for this variant (Variation ID: 3541135). An algorithm developed to predict the effect of missense changes on protein structure and function (PolyPhen-2) suggests that this variant is likely to be disruptive. Algorithms developed to predict the effect of sequence changes on RNA splicing suggest that this variant may disrupt the consensus splice site. In summary, the available evidence is currently insufficient to determine the role of this variant in disease. Therefore, it has been classified as a Variant of Uncertain Significance.

Ambry Genetics
Classification: Uncertain significance for Inborn genetic diseases. Last evaluated: 2024-12-01. Review status: criteria provided, single submitter. Criteria: Ambry Variant Classification Scheme 2023. Collection method: clinical testing. Allele origin: germline.

NM_001130144.3(LTBP3):c.1172G>A (p.Arg391His)

Gene: LTBP3 (latent transforming growth factor beta binding protein 3; minus strand). Cytogenetic location: 11q13.1.
Variant type: single nucleotide variant.
Coding change: c.1172G>A on transcript NM_001130144.3 (MANE Select); coding-DNA position 1172, G replaced by A.
Protein change: p.Arg391His; replaces arginine 391 with histidine.
Molecular consequence: missense variant.
Genome position (GRCh38, 1-based): chr11:65,552,874, C>T on the plus strand (G>A on the coding strand, the complement: LTBP3 is on the minus strand). VCF-style: chr11-65552874-C-T. GRCh37 (hg19) VCF-style: chr11-65320345-C-T.
Other names: c.821G>A, p.Arg274His (NM_001164266.1); c.1172G>A, p.Arg391His (NM_021070.4); short protein forms R274H, R391H.
Identifiers: ClinVar variation 3541135 (VCV003541135.3).